The following is an entry in ClinVar:

ClinVar aggregate classification (germline): Uncertain significance (1 of 4 stars; one submission).

Allele frequency attached by ClinVar (database versions not stated): gnomAD exomes below 0.00001; TOPMed 0.00001.
gnomAD v4.1: 2 of 1,613,606 alleles (0.00012%); highest among the groups gnomAD compares: Admixed American, 0.0033%; no homozygotes.

Submission:

Labcorp Genetics (formerly Invitae), Labcorp
Classification: Uncertain significance. Last evaluated: 2023-12-23. Review status: criteria provided, single submitter. Criteria: Invitae Variant Classification Sherloc (09022015). Collection method: clinical testing. Allele origin: germline.
Comment: This sequence change falls in intron 2 of the PPP3CA gene. It does not directly change the encoded amino acid sequence of the PPP3CA protein. It affects a nucleotide within the consensus splice site. This variant is present in population databases (no rsID available, gnomAD 0.006%). This variant has not been reported in the literature in individuals affected with PPP3CA-related conditions. Variants that disrupt the consensus splice site are a relatively common cause of aberrant splicing (PMID: 17576681, 9536098). Algorithms developed to predict the effect of sequence changes on RNA splicing suggest that this variant is not likely to affect RNA splicing. In summary, the available evidence is currently insufficient to determine the role of this variant in disease. Therefore, it has been classified as a Variant of Uncertain Significance.

Literature cited by the submitters: PubMed 17576681; PubMed 9536098.

NM_000944.5(PPP3CA):c.259+3A>G

Gene: PPP3CA (protein phosphatase 3 catalytic subunit alpha; minus strand). Cytogenetic location: 4q24.
Variant type: single nucleotide variant.
Coding change: c.259+3A>G on transcript NM_000944.5 (MANE Select); 3 bases into the intron after coding-DNA position 259, A replaced by G.
Molecular consequence: intron variant.
Genome position (GRCh38, 1-based): chr4:101,195,913, T>C on the plus strand (A>G on the coding strand, the complement: PPP3CA is on the minus strand). VCF-style: chr4-101195913-T-C. GRCh37 (hg19) VCF-style: chr4-102117070-T-C.
Other names: c.259+3A>G (NM_001130692.2, NM_001130691.2).
Identifiers: ClinVar variation 2778560 (VCV002778560.3), dbSNP rs1423247499, ClinGen allele CA554051138.